The following is an entry in ClinVar:

ClinVar aggregate classification (germline): Uncertain significance (1 of 4 stars; one submission).

Allele frequency attached by ClinVar (database versions not stated): gnomAD 0.00001.
gnomAD v4.1: 24 of 1,612,526 alleles (0.0015%); highest among the groups gnomAD compares: Non-Finnish European, 0.002%; no homozygotes.

Submission:

Labcorp Genetics (formerly Invitae), Labcorp
Classification: Uncertain significance. Last evaluated: 2022-03-04. Review status: criteria provided, single submitter. Criteria: Invitae Variant Classification Sherloc (09022015). Collection method: clinical testing. Allele origin: germline.
Comment: This variant has not been reported in the literature in individuals affected with OAS1-related conditions. This variant is not present in population databases (gnomAD no frequency). This sequence change affects codon 65 of the OAS1 mRNA. It is a 'silent' change, meaning that it does not change the encoded amino acid sequence of the OAS1 protein. Algorithms developed to predict the effect of sequence changes on RNA splicing suggest that this variant may create or strengthen a splice site. In summary, the available evidence is currently insufficient to determine the role of this variant in disease. Therefore, it has been classified as a Variant of Uncertain Significance.

NM_016816.4(OAS1):c.195C>T (p.Gly65=)

Gene: OAS1 (2'-5'-oligoadenylate synthetase 1; plus strand). Cytogenetic location: 12q24.13.
Variant type: single nucleotide variant.
Coding change: c.195C>T on transcript NM_016816.4 (MANE Select); coding-DNA position 195, C replaced by T.
Protein change: p.Gly65=; no amino-acid change (glycine 65 retained).
Molecular consequence: synonymous variant. On other transcripts: non-coding transcript variant (9), intron variant (4).
Genome position (GRCh38, 1-based): chr12:112,908,550, C>T. VCF-style: chr12-112908550-C-T. GRCh37 (hg19) VCF-style: chr12-113346355-C-T.
Other names: c.195C>T, p.Gly65= (NM_001032409.3, NM_001320151.2, NM_001406020.1 and 7 more transcripts); c.180+1331C>T (NM_001406030.1, NM_001406029.1, NM_001406027.1 and 1 more transcripts).
Identifiers: ClinVar variation 1953323 (VCV001953323.5), dbSNP rs753120137, ClinGen allele CA243746482.